The following is an entry in ClinVar:

NM_000038.6(APC):c.7690T>G (p.Trp2564Gly)

Gene: APC (APC regulator of Wnt signaling pathway; plus strand). Cytogenetic location: 5q22.2.
Variant type: single nucleotide variant.
Coding change: c.7690T>G on transcript NM_000038.6 (MANE Select); coding-DNA position 7690, T replaced by G.
Protein change: p.Trp2564Gly; replaces tryptophan 2564 with glycine.
Molecular consequence: missense variant. On other transcripts: non-coding transcript variant (2).
Genome position (GRCh38, 1-based): chr5:112,843,284, T>G. VCF-style: chr5-112843284-T-G. GRCh37 (hg19) VCF-style: chr5-112178981-T-G.
Other names: c.7690T>G, p.Trp2564Gly (NM_001127510.3, NM_001354895.2, NM_001407450.1); c.7636T>G, p.Trp2546Gly (NM_001127511.3); c.7744T>G, p.Trp2582Gly (NM_001354896.2, NM_001407447.1, NM_001407448.1 and 1 more transcripts); c.7720T>G, p.Trp2574Gly (NM_001354897.2); c.7615T>G, p.Trp2539Gly (NM_001354898.2); c.7606T>G, p.Trp2536Gly (NM_001354899.2); c.7567T>G, p.Trp2523Gly (NM_001354900.2); c.7513T>G, p.Trp2505Gly (NM_001354901.2, NM_001407453.1); and 11 more; short protein forms W2180G, W2281G, W2404G, W2523G, W2536G, W2435G, W2473G, W2574G.
Identifiers: ClinVar variation 2566987 (VCV002566987.2), dbSNP rs2533812769, ClinGen allele CA16038033.

ClinVar aggregate classification (germline): Uncertain significance (1 of 4 stars; one submission).

Conditions:
Hereditary cancer-predisposing syndrome. Also called: Hereditary neoplastic syndrome; Hereditary Cancer Syndrome; Neoplastic Syndromes, Hereditary; Tumor predisposition. Identifiers: Orphanet 140162, MedGen C0027672, MeSH D009386, MONDO:0015356.

Submission:

Ambry Genetics
Classification: Uncertain significance for Hereditary cancer-predisposing syndrome. Last evaluated: 2023-04-18. Review status: criteria provided, single submitter. Criteria: Ambry Variant Classification Scheme 2023. Collection method: clinical testing. Allele origin: germline.
Comment: The p.W2564G variant (also known as c.7690T>G), located in coding exon 15 of the APC gene, results from a T to G substitution at nucleotide position 7690. The tryptophan at codon 2564 is replaced by glycine, an amino acid with highly dissimilar properties. This amino acid position is conserved. In addition, in silico predictors for this gene do not accurately predict pathogenicity. Since supporting evidence is limited at this time, the clinical significance of this alteration remains unclear.